The following is an entry in ClinVar:

ClinVar aggregate classification (germline): Benign. Review status: criteria provided, multiple submitters, no conflicts (2 of 4 stars). 3 submissions from 3 submitters: Benign (2). 1 of the submissions does not count toward it. Last evaluated 2019-12-31.

Conditions:
HDAC1-related disorder. Also called: HDAC1-related condition.

Allele frequency attached by ClinVar (database versions not stated): ESP Exome Variant Server 0.00138; gnomAD exomes 0.00193 and 0.00226; ExAC 0.00204; gnomAD 0.00206 and 0.00191; 1000 Genomes Project 30x 0.00109; 1000 Genomes Project 0.00120; TOPMed 0.00232.
gnomAD v4.1: 3,162 of 1,612,916 alleles (0.2%); highest among the groups gnomAD compares: Admixed American, 0.43%; 11 homozygotes.

Submissions (3):

Labcorp Genetics (formerly Invitae), Labcorp
Classification: Benign. Last evaluated: 2019-12-31. Review status: criteria provided, single submitter. Criteria: Invitae Variant Classification Sherloc (09022015). Collection method: clinical testing. Allele origin: germline.

Breakthrough Genomics
Classification: Benign. Review status: criteria provided, single submitter. Criteria: ACMG Guidelines, 2015. Collection method: not provided. Allele origin: germline. Inheritance: Unknown mechanism. Affected: yes.

PreventionGenetics, part of Exact Sciences
Classification: Likely benign for HDAC1-related condition. Last evaluated: 2019-07-15. Review status: no assertion criteria provided. Collection method: clinical testing. Allele origin: germline. Not counted in ClinVar's aggregate classification.
Comment: This variant is classified as likely benign based on ACMG/AMP sequence variant interpretation guidelines (Richards et al. 2015 PMID: 25741868, with internal and published modifications).

NM_004964.3(HDAC1):c.564C>T (p.Tyr188=)

Gene: HDAC1 (histone deacetylase 1; plus strand). Cytogenetic location: 1p35.1.
Variant type: single nucleotide variant.
Coding change: c.564C>T on transcript NM_004964.3 (MANE Select); coding-DNA position 564, C replaced by T.
Protein change: p.Tyr188=; no amino-acid change (tyrosine 188 retained).
Molecular consequence: synonymous variant.
Genome position (GRCh38, 1-based): chr1:32,327,605, C>T. VCF-style: chr1-32327605-C-T. GRCh37 (hg19) VCF-style: chr1-32793206-C-T.
Identifiers: ClinVar variation 784440 (VCV000784440.7), dbSNP rs146340055, ClinGen allele CA741538.
Genomic context (GRCh38, chr1:32,327,605, plus strand): 5'-GAGGGTGCTGTACATTGACATTGATATTCACCATGGTGACGGCGTGGAAGAGGCCTTCTA[C>T]ACCACGGACCGGGTCATGACTGTGTCCTTTCATAAGTATGGAGAGTACTTCCCAGGAACT-3'
Protein context (NP_004955.2, residues 178-198): HHGDGVEEAF[Tyr188=]TTDRVMTVSF